The following is an entry in ClinVar:

ClinVar aggregate classification (germline): Pathogenic (1 of 4 stars; one submission).

Conditions:
Developmental and epileptic encephalopathy, 42 (DEE42A). Also called: Epileptic encephalopathy, early infantile, 42; DEVELOPMENTAL AND EPILEPTIC ENCEPHALOPATHY 42A; EPILEPTIC ENCEPHALOPATHY, EARLY INFANTILE, 42A. Identifiers: MedGen C4310716, MONDO:0014917, OMIM 617106.
Episodic ataxia type 2 (EA2). Also called: EPISODIC ATAXIA, NYSTAGMUS-ASSOCIATED; ACETAZOLAMIDE-RESPONSIVE HEREDITARY PAROXYSMAL CEREBELLAR ATAXIA; ATAXIA, EPISODIC, WITH NYSTAGMUS; ATAXIA, FAMILIAL PAROXYSMAL; CEREBELLAR ATAXIA, PAROXYSMAL, ACETAZOLAMIDE-RESPONSIVE; CEREBELLOPATHY, HEREDITARY PAROXYSMAL. Identifiers: Orphanet 97, MedGen C1720416, MONDO:0007163, OMIM 108500.

Submission:

Labcorp Genetics (formerly Invitae), Labcorp
Classification: Pathogenic for Developmental and epileptic encephalopathy, 42; Episodic ataxia type 2. Last evaluated: 2019-11-16. Review status: criteria provided, single submitter. Criteria: Invitae Variant Classification Sherloc (09022015). Collection method: clinical testing. Allele origin: germline.
Comment: For these reasons, this variant has been classified as Pathogenic. Loss-of-function variants in CACNA1A are known to be pathogenic (PMID: 10371528, 19486177, 25735478, 27250579). This variant has not been reported in the literature in individuals with CACNA1A-related conditions. This variant is an out-of-frame deletion of the genomic region encompassing exon 18 of the CACNA1A gene. This is expected to create a premature translational stop signal and result in an absent or disrupted protein product.

Literature cited by the submitters: PubMed 10371528; PubMed 19486177; PubMed 25735478; PubMed 27250579.

NC_000019.10:g.(?_13300530)_(13300676_?)del

Gene: CACNA1A (calcium voltage-gated channel subunit alpha1 A; minus strand). Cytogenetic location: 19p13.2.
Variant type: Deletion.
Identifiers: ClinVar variation 832219 (VCV000832219.7).